The following is an entry in ClinVar:

NM_031885.5(BBS2):c.1634A>C (p.His545Pro)

Gene: BBS2 (Bardet-Biedl syndrome 2; minus strand). Cytogenetic location: 16q13.
Variant type: single nucleotide variant.
Coding change: c.1634A>C on transcript NM_031885.5 (MANE Select); coding-DNA position 1634, A replaced by C.
Protein change: p.His545Pro; replaces histidine 545 with proline.
Molecular consequence: missense variant. On other transcripts: non-coding transcript variant (5).
Genome position (GRCh38, 1-based): chr16:56,498,462, T>G on the plus strand (A>C on the coding strand, the complement: BBS2 is on the minus strand). VCF-style: chr16-56498462-T-G. GRCh37 (hg19) VCF-style: chr16-56532374-T-G.
Other names: c.1634A>C, p.His545Pro (NM_001377456.1); short protein forms H545P.
Identifiers: ClinVar variation 1508804 (VCV001508804.4), dbSNP rs1461988620, ClinGen allele CA395976440.

ClinVar aggregate classification (germline): Uncertain significance. Review status: criteria provided, multiple submitters, no conflicts (2 of 4 stars). 2 submissions from 2 submitters: Uncertain significance (2). Last evaluated 2023-12-24.

Conditions:
Bardet-Biedl syndrome 2 (BBS2). Identifiers: Orphanet 110, MedGen C2936863, MONDO:0014432, OMIM 615981.
Retinitis pigmentosa 74 (RP74). Identifiers: Orphanet 791, MedGen C4225281, MONDO:0014692, OMIM 616562.
Bardet-Biedl syndrome (BBS). Identifiers: Orphanet 110, MedGen C0752166, MONDO:0015229.

gnomAD v4.1: 2 of 1,613,968 alleles (0.00012%); highest among the groups gnomAD compares: Admixed American, 0.0017%; no homozygotes.

Submissions (2):

Fulgent Genetics
Classification: Uncertain significance for Bardet-Biedl syndrome 2; Retinitis pigmentosa 74. Last evaluated: 2023-12-24. Review status: criteria provided, single submitter. Criteria: ACMG Guidelines, 2015. Collection method: clinical testing. Allele origin: germline.

Labcorp Genetics (formerly Invitae), Labcorp
Classification: Uncertain significance for Bardet-Biedl syndrome. Last evaluated: 2022-08-22. Review status: criteria provided, single submitter. Criteria: Invitae Variant Classification Sherloc (09022015). Collection method: clinical testing. Allele origin: germline.
Comment: This sequence change replaces histidine, which is basic and polar, with proline, which is neutral and non-polar, at codon 545 of the BBS2 protein (p.His545Pro). This variant is not present in population databases (gnomAD no frequency). This variant has not been reported in the literature in individuals affected with BBS2-related conditions. ClinVar contains an entry for this variant (Variation ID: 1508804). Algorithms developed to predict the effect of missense changes on protein structure and function (SIFT, PolyPhen-2, Align-GVGD) all suggest that this variant is likely to be tolerated. In summary, the available evidence is currently insufficient to determine the role of this variant in disease. Therefore, it has been classified as a Variant of Uncertain Significance.